The following is an entry in ClinVar:

ClinVar aggregate classification (germline): Uncertain significance. Review status: criteria provided, multiple submitters, no conflicts (2 of 4 stars). 2 submissions from 2 submitters: Uncertain significance (2). Last evaluated 2025-02-23.

Conditions:
Neurodevelopmental disorder with seizures and nonepileptic hyperkinetic movements. Identifiers: MedGen C5193128, MONDO:0032784, OMIM 618497.

Allele frequency attached by ClinVar (database versions not stated): gnomAD 0.00001; gnomAD exomes 0.00001 and 0.00002; TOPMed 0.00002; 1000 Genomes Project 30x 0.00016; 1000 Genomes Project 0.00020; ExAC 0.00001.
gnomAD v4.1: 25 of 1,613,552 alleles (0.0015%); highest among the groups gnomAD compares: East Asian, 0.0067%; no homozygotes.

Submissions (2):

GeneDx
Classification: Uncertain significance. Last evaluated: 2025-02-23. Review status: criteria provided, single submitter. Criteria: GeneDx Variant Classification Process June 2021. Collection method: clinical testing. Allele origin: germline. Affected: yes.
Comment: In silico analysis supports that this missense variant has a deleterious effect on protein structure/function; Has not been previously published as pathogenic or benign to our knowledge

New York Genome Center
Classification: Uncertain significance for Neurodevelopmental disorder with seizures and nonepileptic hyperkinetic movements. Last evaluated: 2020-05-29. Review status: criteria provided, single submitter. Criteria: NYGC Assertion Criteria 2020. Collection method: clinical testing. Allele origin: inherited. Observed: 1 heterozygote. Study: CSER-NYCKidSeq.

NM_000718.4(CACNA1B):c.3481G>A (p.Ala1161Thr)

Gene: CACNA1B (calcium voltage-gated channel subunit alpha1 B; plus strand). Cytogenetic location: 9q34.3.
Variant type: single nucleotide variant.
Coding change: c.3481G>A on transcript NM_000718.4 (MANE Select); coding-DNA position 3481, G replaced by A.
Protein change: p.Ala1161Thr; replaces alanine 1161 with threonine.
Molecular consequence: missense variant.
Genome position (GRCh38, 1-based): chr9:138,046,971, G>A. VCF-style: chr9-138046971-G-A. GRCh37 (hg19) VCF-style: chr9-140941423-G-A.
Other names: c.3481G>A (NM_000718.3); c.3481G>A, p.Ala1161Thr (NM_001243812.2); short protein forms A1161T.
Identifiers: ClinVar variation 1098586 (VCV001098586.2), dbSNP rs200326973, ClinGen allele CA5376698.
Genomic context (GRCh38, chr9:138,046,971, plus strand): 5'-CGCTTCTGCCACTACATCGTGACCATGAGGTACTTCGAGGTGGTCATTCTCGTGGTCATC[G>A]CCTTGAGCAGCATCGCCCTGGCTGCTGAGGACCCAGTGCGCACAGACTCGCCCAGGAACA-3'
Protein context (NP_000709.1, residues 1151-1171): YFEVVILVVI[Ala1161Thr]LSSIALAAED